The following is an entry in ClinVar:

ClinVar aggregate classification (germline): Uncertain significance (1 of 4 stars; one submission).

Conditions:
Hereditary cancer-predisposing syndrome. Also called: Tumor predisposition; Hereditary Cancer Syndrome; Hereditary neoplastic syndrome; Neoplastic Syndromes, Hereditary. Identifiers: Orphanet 140162, MedGen C0027672, MeSH D009386, MONDO:0015356.

Submission:

Ambry Genetics
Classification: Uncertain significance for Hereditary cancer-predisposing syndrome. Last evaluated: 2025-11-06. Review status: criteria provided, single submitter. Criteria: Ambry Variant Classification Scheme 2023. Collection method: clinical testing. Allele origin: germline.
Comment: The p.G193E variant (also known as c.578G>A), located in coding exon 4 of the SUFU gene, results from a G to A substitution at nucleotide position 578. The glycine at codon 193 is replaced by glutamic acid, an amino acid with similar properties. In silico splice site analysis predicts that this alteration will result in the creation or strengthening of a novel splice donor site; however, direct evidence is insufficient at this time (Ambry internal data). This amino acid position is highly conserved in available vertebrate species. In addition, this alteration is predicted to be deleterious by in silico analysis. Based on the available evidence, the clinical significance of this variant remains unclear.

NM_016169.4(SUFU):c.578G>A (p.Gly193Glu)

Gene: SUFU (SUFU negative regulator of hedgehog signaling; plus strand). Cytogenetic location: 10q24.32.
Variant type: single nucleotide variant.
Coding change: c.578G>A on transcript NM_016169.4 (MANE Select); coding-DNA position 578, G replaced by A.
Protein change: p.Gly193Glu; replaces glycine 193 with glutamic acid.
Molecular consequence: missense variant.
Genome position (GRCh38, 1-based): chr10:102,592,705, G>A. VCF-style: chr10-102592705-G-A. GRCh37 (hg19) VCF-style: chr10-104352462-G-A.
Other names: c.578G>A, p.Gly193Glu (NM_001178133.2); short protein forms G193E.
Identifiers: ClinVar variation 4551770 (VCV004551770.1).
Genomic context (GRCh38, chr10:102,592,705, plus strand): 5'-GAATTCAGCACATGCTGCTGACAGAGGACCCACAGATGCAGCCCGTGCAGACACCCTTTG[G>A]GGTAGTTACCTTCCTCCAGGTGAGGCACAGGTTGGACGCTGGCTCAAGCCTTCCTGTGGG-3'
Protein context (NP_057253.2, residues 183-203): PQMQPVQTPF[Gly193Glu]VVTFLQIVGV